The following is an entry in ClinVar:

ClinVar aggregate classification (germline): Conflicting classifications of pathogenicity. Review status: criteria provided, conflicting classifications (1 of 4 stars). 4 submissions from 4 submitters: Uncertain significance (1); Likely benign (1). 2 of the submissions do not count toward it. Last evaluated 2026-01-27.

Conditions:
beta Thalassemia (BTHAL). Also called: Cooley's anemia; Erythroblastic anemia; Mediterranean anemia. Identifiers: Orphanet 848, MedGen C0005283, MONDO:0019402. Disease mechanism: loss of function.
HEMOGLOBIN D (IBADAN).

Submissions (4):

Women's Health and Genetics/Laboratory Corporation of America, LabCorp
Classification: Uncertain significance. Last evaluated: 2026-01-27. Review status: criteria provided, single submitter. Criteria: LabCorp Variant Classification Summary - May 2015. Collection method: clinical testing. Allele origin: germline.
Comment: Variant summary: HBB c.263C>A (p.Thr88Lys) results in a non-conservative amino acid change in the encoded protein sequence. Algorithms developed to predict the effect of missense changes on protein structure and function are either unavailable or do not agree on the potential impact of this missense change. The variant was absent in 251424 control chromosomes. The available data on variant occurrences in the general population are insufficient to allow any conclusion about variant significance. Similarly, in two other subjects of African-American ethnicity, compound heterozygosity with other pathogenic variant (HbS and c.-79A>G) failed to cause disease (Redding-Lallinger_2002). Additionally, one reported case who was compound heterozygosity with HbC only showed mild anemia phenotype (Kundrapu_2018). To our knowledge, no experimental evidence demonstrating an impact on protein function has been reported. The following publications have been ascertained in the context of this evaluation (PMID: 29365076, 19429541, 5481775, 11757720, 5097135, 26119666, 1891024, 27207683, 6859036, 30604644, 284392, 12144055, 974261, 14311973). ClinVar contains an entry for this variant (Variation ID: 15150). Based on the evidence outlined above, the variant was classified as VUS-possibly benign.

Quest Diagnostics Nichols Institute San Juan Capistrano
Classification: Likely benign. Last evaluated: 2017-01-20. Review status: criteria provided, single submitter. Criteria: Quest Diagnostics criteria. Collection method: clinical testing. Allele origin: germline.

Natera, Inc.
Classification: Uncertain significance for Beta thalassemia. Last evaluated: 2020-05-18. Review status: no assertion criteria provided. Collection method: clinical testing. Allele origin: germline. Not counted in ClinVar's aggregate classification.

OMIM
Classification: other for HEMOGLOBIN D (IBADAN). Last evaluated: 2017-12-12. Review status: no assertion criteria provided. Collection method: literature only. Allele origin: germline. Not counted in ClinVar's aggregate classification.

Literature cited by the submitters: PubMed 1891024 (cited by Women's Health and Genetics/Laboratory Corporation of America, LabCorp); PubMed 5481775 (cited by Women's Health and Genetics/Laboratory Corporation of America, LabCorp); PubMed 5097135 (cited by Women's Health and Genetics/Laboratory Corporation of America, LabCorp); PubMed 6859036 (cited by Women's Health and Genetics/Laboratory Corporation of America, LabCorp); PubMed 19429541 (cited by Women's Health and Genetics/Laboratory Corporation of America, LabCorp and Quest Diagnostics Nichols Institute San Juan Capistrano); PubMed 974261 (cited by Women's Health and Genetics/Laboratory Corporation of America, LabCorp); PubMed 284392 (cited by Women's Health and Genetics/Laboratory Corporation of America, LabCorp); PubMed 11757720 (cited by Women's Health and Genetics/Laboratory Corporation of America, LabCorp); PubMed 14311973 (cited by Women's Health and Genetics/Laboratory Corporation of America, LabCorp and OMIM); PubMed 12144055 (cited by Women's Health and Genetics/Laboratory Corporation of America, LabCorp and Quest Diagnostics Nichols Institute San Juan Capistrano); PubMed 27207683 (cited by Women's Health and Genetics/Laboratory Corporation of America, LabCorp and Quest Diagnostics Nichols Institute San Juan Capistrano); PubMed 30604644 (cited by Women's Health and Genetics/Laboratory Corporation of America, LabCorp); PubMed 26119666 (cited by Women's Health and Genetics/Laboratory Corporation of America, LabCorp); PubMed 29365076 (cited by Women's Health and Genetics/Laboratory Corporation of America, LabCorp); PubMed 27521855 (cited by Quest Diagnostics Nichols Institute San Juan Capistrano); PubMed 26635043 (cited by Quest Diagnostics Nichols Institute San Juan Capistrano).

NM_000518.4(HBB):c.263C>A (p.Thr88Lys)

Genes: HBB (hemoglobin subunit beta; minus strand), LOC106099062 (HBB recombination region; plus strand), LOC107133510 (origin of replication at HBB; plus strand). Cytogenetic location: 11p15.4.
Variant type: single nucleotide variant.
Coding change: c.263C>A on transcript NM_000518.4; coding-DNA position 263, C replaced by A.
Protein change: p.Thr88Lys; replaces threonine 88 with lysine.
Molecular consequence: missense variant (on NM_000518.5).
Genome position (GRCh38, 1-based): chr11:5,226,629, G>T on the plus strand (C>A on the coding strand, the complement: HBB is on the minus strand). VCF-style: chr11-5226629-G-T. GRCh37 (hg19) VCF-style: chr11-5247859-G-T.
Other names: T87K; c.263C>A, p.Thr88Lys (NM_000518.5); short protein forms T88K.
Identifiers: ClinVar variation 15150 (VCV000015150.12), dbSNP rs33993568, ClinGen allele CA124820.